The following is an entry in ClinVar:

ClinVar aggregate classification (germline): Likely pathogenic. Review status: criteria provided, single submitter (1 of 4 stars). 2 submissions from 2 submitters: Likely pathogenic (1). 1 of the submissions does not count toward it. Last evaluated 2024-07-10.

Conditions:
PLP1-related disorder. Also called: PLP1-Related Disorders; PLP1-related condition. Identifiers: MedGen CN378767.
Pelizaeus-Merzbacher disease. Also called: Pelizaeus-Merzbacher spectrum disorder; Pelizaeus-Merzbacher Disease (PMD); Sudanophilic leukodystrophy; Pelizeaus-Merzbacher spectrum disorder; LEUKODYSTROPHY, HYPOMYELINATING, 1. Identifiers: Orphanet 702, MedGen C0205711, MONDO:0010714, OMIM 312080, HP:0003269.

Submissions (2):

Molecular Diagnostics Lab, Nemours Children's Health, Delaware
Classification: Likely pathogenic for Pelizaeus-Merzbacher disease. Last evaluated: 2024-07-10. Review status: criteria provided, single submitter. Criteria: ACMG Guidelines, 2015. Collection method: clinical testing. Allele origin: unknown. Inheritance: X-linked inheritance. Affected: yes. Observed: 1 hemizygote.
Comment: This missense variant (c.83G>A, p.Gly28Glu) has not been observed in population databases (gnomAD). It has not been described in the literature. Variant prediction programs support a deleterious effect on the protein, but functional studies have not been reported.

PreventionGenetics, part of Exact Sciences
Classification: Uncertain significance for PLP1-related condition. Last evaluated: 2023-11-08. Review status: no assertion criteria provided. Collection method: clinical testing. Allele origin: germline. Not counted in ClinVar's aggregate classification.
Comment: The PLP1 c.83G>A variant is predicted to result in the amino acid substitution p.Gly28Glu. To our knowledge, this variant has not been reported in the literature or in a large population database, indicating this variant is rare. Two alternate missense changes at the same amino acid position have been reported in affected individuals; however, the significance of these other missense alterations is also uncertain (p.Gly28Val, p.Gly28Arg, Grossi et al. 2011. PubMed ID: 21679407; Duan et al. 2022. PubMed ID: 35346287). Although we suspect that this variant may be pathogenic, at this time, the clinical significance of this variant is uncertain due to the absence of conclusive functional and genetic evidence.

NM_000533.5(PLP1):c.83G>A (p.Gly28Glu)

Genes: PLP1 (proteolipid protein 1; plus strand), RAB9B (RAB9B, member RAS oncogene family; minus strand). Cytogenetic location: Xq22.2.
Variant type: single nucleotide variant.
Coding change: c.83G>A on transcript NM_000533.5 (MANE Select); coding-DNA position 83, G replaced by A.
Protein change: p.Gly28Glu; replaces glycine 28 with glutamic acid.
Molecular consequence: missense variant. On other transcripts: intron variant (1).
Genome position (GRCh38, 1-based): chrX:103,785,660, G>A. VCF-style: chrX-103785660-G-A. GRCh37 (hg19) VCF-style: chrX-103040589-G-A.
Other names: c.83G>A, p.Gly28Glu (NM_001128834.3, NM_199478.3); c.5-87G>A (NM_001305004.1); short protein forms G28E.
Identifiers: ClinVar variation 3030928 (VCV003030928.3), dbSNP rs2522301179, ClinGen allele CA414101999.
Genomic context (GRCh38, chrX:103,785,660, plus strand): 5'-CAAGATGTCTGGTAGGGGCCCCCTTTGCTTCCCTGGTGGCCACTGGATTGTGTTTCTTTG[G>A]GGTGGCACTGTTCTGTGGCTGTGGACATGAAGCCCTCACTGGCACAGAAAAGCTAATTGA-3'
Protein context (NP_000524.3, residues 18-38): SLVATGLCFF[Gly28Glu]VALFCGCGHE